The following is an entry in ClinVar:

ClinVar aggregate classification (germline): Uncertain significance. Review status: criteria provided, multiple submitters, no conflicts (2 of 4 stars). 2 submissions from 2 submitters: Uncertain significance (2). Last evaluated 2025-02-04.

Conditions:
Early Myoclonic Encephalopathy. Identifiers: MedGen C0270855.

Allele frequency attached by ClinVar (database versions not stated): gnomAD exomes below 0.00001.
gnomAD v4.1: 2 of 1,598,458 alleles (0.00013%); highest among the groups gnomAD compares: Non-Finnish European, 0.000086%; no homozygotes.

Submissions (2):

Labcorp Genetics (formerly Invitae), Labcorp
Classification: Uncertain significance for Early Myoclonic Encephalopathy. Last evaluated: 2025-02-04. Review status: criteria provided, single submitter. Criteria: Invitae Variant Classification Sherloc (09022015). Collection method: clinical testing. Allele origin: germline.
Comment: This sequence change replaces lysine, which is basic and polar, with asparagine, which is neutral and polar, at codon 2025 of the JMJD1C protein (p.Lys2025Asn). This variant is not present in population databases (gnomAD no frequency). This variant has not been reported in the literature in individuals affected with JMJD1C-related conditions. ClinVar contains an entry for this variant (Variation ID: 858103). An algorithm developed to predict the effect of missense changes on protein structure and function (PolyPhen-2) suggests that this variant is likely to be disruptive. In summary, the available evidence is currently insufficient to determine the role of this variant in disease. Therefore, it has been classified as a Variant of Uncertain Significance.

Ambry Genetics
Classification: Uncertain significance. Last evaluated: 2022-03-29. Review status: criteria provided, single submitter. Criteria: Ambry Variant Classification Scheme 2023. Collection method: clinical testing. Allele origin: germline.

NM_032776.3(JMJD1C):c.6075A>C (p.Lys2025Asn)

Gene: JMJD1C (jumonji domain containing 1C; minus strand). Cytogenetic location: 10q21.3.
Variant type: single nucleotide variant.
Coding change: c.6075A>C on transcript NM_032776.3 (MANE Select); coding-DNA position 6075, A replaced by C.
Protein change: p.Lys2025Asn; replaces lysine 2025 with asparagine.
Molecular consequence: missense variant. On other transcripts: non-coding transcript variant (1).
Genome position (GRCh38, 1-based): chr10:63,192,939, T>G on the plus strand (A>C on the coding strand, the complement: JMJD1C is on the minus strand). VCF-style: chr10-63192939-T-G. GRCh37 (hg19) VCF-style: chr10-64952699-T-G.
Other names: c.5529A>C, p.Lys1843Asn (NM_001282948.2, NM_001318154.2); c.5211A>C, p.Lys1737Asn (NM_001318153.2); c.5961A>C, p.Lys1987Asn (NM_001322252.2); c.5418A>C, p.Lys1806Asn (NM_001322254.2, NM_001322258.2); c.6075A>C (NM_032776.1); short protein forms K1843N, K1737N, K1806N, K2025N, K1987N.
Identifiers: ClinVar variation 858103 (VCV000858103.12), dbSNP rs1845014751, ClinGen allele CA377025941.